The following is an entry in ClinVar:

ClinVar aggregate classification (germline): Uncertain significance (1 of 4 stars; one submission).

Conditions:
Walker-Warburg congenital muscular dystrophy. Also called: Muscular dystrophy-dystroglycanopathy, type A; Walker-Warburg syndrome. Identifiers: Orphanet 899, MedGen C0265221, MONDO:0000171.

Submission:

Labcorp Genetics (formerly Invitae), Labcorp
Classification: Uncertain significance for Walker-Warburg congenital muscular dystrophy. Last evaluated: 2021-08-28. Review status: criteria provided, single submitter. Criteria: Invitae Variant Classification Sherloc (09022015). Collection method: clinical testing. Allele origin: germline.
Comment: This sequence change replaces phenylalanine with leucine at codon 297 of the FKRP protein (p.Phe297Leu). The phenylalanine residue is highly conserved and there is a small physicochemical difference between phenylalanine and leucine. The frequency data for this variant in the population databases is considered unreliable, as metrics indicate insufficient coverage at this position in the ExAC database. This variant has not been reported in the literature in individuals affected with FKRP-related conditions. Algorithms developed to predict the effect of missense changes on protein structure and function are either unavailable or do not agree on the potential impact of this missense change (SIFT: "Tolerated"; PolyPhen-2: "Probably Damaging"; Align-GVGD: "Class C0"). In summary, the available evidence is currently insufficient to determine the role of this variant in disease. Therefore, it has been classified as a Variant of Uncertain Significance.

NM_024301.5(FKRP):c.891C>G (p.Phe297Leu)

Gene: FKRP (fukutin related protein; plus strand). Cytogenetic location: 19q13.32.
Variant type: single nucleotide variant.
Coding change: c.891C>G on transcript NM_024301.5 (MANE Select); coding-DNA position 891, C replaced by G.
Protein change: p.Phe297Leu; replaces phenylalanine 297 with leucine.
Molecular consequence: missense variant.
Genome position (GRCh38, 1-based): chr19:46,756,341, C>G. VCF-style: chr19-46756341-C-G. GRCh37 (hg19) VCF-style: chr19-47259598-C-G.
Other names: c.891C>G, p.Phe297Leu (NM_001039885.3); short protein forms F297L.
Identifiers: ClinVar variation 941653 (VCV000941653.7), dbSNP rs1473348553, ClinGen allele CA406496231.